The following is an entry in ClinVar:

ClinVar aggregate classification (germline): Uncertain significance (1 of 4 stars; one submission).

Conditions:
Hereditary cancer-predisposing syndrome. Also called: Neoplastic Syndromes, Hereditary; Hereditary neoplastic syndrome; Tumor predisposition; Hereditary Cancer Syndrome. Identifiers: Orphanet 140162, MedGen C0027672, MeSH D009386, MONDO:0015356.

Submission:

Ambry Genetics
Classification: Uncertain significance for Hereditary cancer-predisposing syndrome. Last evaluated: 2026-01-30. Review status: criteria provided, single submitter. Criteria: Ambry Variant Classification Scheme 2023. Collection method: clinical testing. Allele origin: germline.
Comment: The p.N889T variant (also known as c.2666A>C), located in coding exon 10 of the BRCA2 gene, results from an A to C substitution at nucleotide position 2666. The asparagine at codon 889 is replaced by threonine, an amino acid with similar properties. This amino acid position is not well conserved in available vertebrate species. In addition, this alteration is predicted to be tolerated by in silico analysis. Based on the available evidence, the clinical significance of this variant remains unclear.

NM_000059.4(BRCA2):c.2666A>C (p.Asn889Thr)

Gene: BRCA2 (BRCA2 DNA repair associated; plus strand). Cytogenetic location: 13q13.1.
Variant type: single nucleotide variant.
Coding change: c.2666A>C on transcript NM_000059.4 (MANE Select); coding-DNA position 2666, A replaced by C.
Protein change: p.Asn889Thr; replaces asparagine 889 with threonine.
Molecular consequence: missense variant. On other transcripts: intron variant (2), non-coding transcript variant (1).
Genome position (GRCh38, 1-based): chr13:32,337,021, A>C. VCF-style: chr13-32337021-A-C. GRCh37 (hg19) VCF-style: chr13-32911158-A-C.
Other names: c.424+5991A>C (NM_001406722.1); c.2666A>C, p.Asn889Thr (NM_001406719.1, NM_001406720.1, NM_001432077.1); c.1909+3634A>C (NM_001406721.1); short protein forms N889T.
Identifiers: ClinVar variation 4824524 (VCV004824524.1).